The following is an entry in ClinVar:

ClinVar aggregate classification (germline): Conflicting classifications of pathogenicity. Review status: criteria provided, conflicting classifications (1 of 4 stars). 3 submissions from 3 submitters: Uncertain significance (2); Likely benign (1). Last evaluated 2025-07-02.

Conditions:
Developmental and epileptic encephalopathy, 53. Also called: Epileptic encephalopathy, early infantile, 53. Identifiers: MedGen C4479313, MONDO:0033362, OMIM 617389.
Early-onset Parkinson disease 20. Also called: PARKINSON DISEASE 20, AUTOSOMAL RECESSIVE EARLY-ONSET. Identifiers: Orphanet 391411, MedGen C3809824, MONDO:0014233, OMIM 615530.
Inborn genetic diseases. Identifiers: MedGen C0950123, MeSH D030342.

Allele frequency attached by ClinVar (database versions not stated): gnomAD 0.00001; ExAC 0.00002; gnomAD exomes 0.00002; TOPMed 0.00002.
gnomAD v4.1: 26 of 1,613,964 alleles (0.0016%); highest among the groups gnomAD compares: Admixed American, 0.0017%; no homozygotes.

Submissions (3):

Mayo Clinic Laboratories, Mayo Clinic
Classification: Uncertain significance. Last evaluated: 2025-07-02. Review status: criteria provided, single submitter. Criteria: ACMG Guidelines, 2015. Collection method: clinical testing. Allele origin: germline. Observed: 1 variant allele.
Comment: BP4_moderate, PM2_supporting

Labcorp Genetics (formerly Invitae), Labcorp
Classification: Uncertain significance for Developmental and epileptic encephalopathy, 53; Early-onset Parkinson disease 20. Last evaluated: 2022-09-27. Review status: criteria provided, single submitter. Criteria: Invitae Variant Classification Sherloc (09022015). Collection method: clinical testing. Allele origin: germline.
Comment: This sequence change replaces isoleucine, which is neutral and non-polar, with valine, which is neutral and non-polar, at codon 1105 of the SYNJ1 protein (p.Ile1105Val). This variant is present in population databases (rs773437219, gnomAD 0.05%). This variant has not been reported in the literature in individuals affected with SYNJ1-related conditions. ClinVar contains an entry for this variant (Variation ID: 1374520). Advanced modeling of protein sequence and biophysical properties (such as structural, functional, and spatial information, amino acid conservation, physicochemical variation, residue mobility, and thermodynamic stability) performed at Invitae indicates that this missense variant is not expected to disrupt SYNJ1 protein function. In summary, the available evidence is currently insufficient to determine the role of this variant in disease. Therefore, it has been classified as a Variant of Uncertain Significance.

Ambry Genetics
Classification: Likely benign for Inborn genetic diseases. Last evaluated: 2022-07-19. Review status: criteria provided, single submitter. Criteria: Ambry Variant Classification Scheme 2023. Collection method: clinical testing. Allele origin: germline.

NM_203446.3(SYNJ1):c.3196A>G (p.Ile1066Val)

Gene: SYNJ1 (synaptojanin 1; minus strand). Cytogenetic location: 21q22.11.
Variant type: single nucleotide variant.
Coding change: c.3196A>G on transcript NM_203446.3 (MANE Select); coding-DNA position 3196, A replaced by G.
Protein change: p.Ile1066Val; replaces isoleucine 1066 with valine.
Molecular consequence: missense variant.
Genome position (GRCh38, 1-based): chr21:32,646,444, T>C on the plus strand (A>G on the coding strand, the complement: SYNJ1 is on the minus strand). VCF-style: chr21-32646444-T-C. GRCh37 (hg19) VCF-style: chr21-34018754-T-C.
Other names: p.Ile1105Val; c.3196A>G, p.Ile1066Val (NM_001160302.2); c.3181A>G, p.Ile1061Val (NM_001160306.2); c.3313A>G, p.Ile1105Val (NM_003895.4); short protein forms I1105V, I1061V, I1066V.
Identifiers: ClinVar variation 1374520 (VCV001374520.5), dbSNP rs773437219, ClinGen allele CA10003487.